The following is an entry in ClinVar:

ClinVar aggregate classification (germline): Likely pathogenic. Review status: criteria provided, multiple submitters, no conflicts (2 of 4 stars). 3 submissions from 3 submitters: Likely pathogenic (3). Last evaluated 2025-06-01.

Conditions:
Combined immunodeficiency with skin granulomas. Identifiers: Orphanet 157949, MedGen C2673536, MONDO:0009306, OMIM 233650.
Severe combined immunodeficiency, autosomal recessive, T cell-negative, B cell-negative, NK cell-positive. Also called: Severe combined immunodeficiency due to complete RAG1/2 deficiency; SCID, T CELL-NEGATIVE, B CELL-NEGATIVE, NK CELL-POSITIVE; SCID, AR, T-cell negative, B-cell negative, NK cell-positive. Identifiers: Orphanet 331206, MedGen C1832322, MONDO:0011086, OMIM 601457.
Histiocytic medullary reticulosis. Also called: SEVERE COMBINED IMMUNODEFICIENCY WITH HYPEREOSINOPHILIA; Omenn syndrome. Identifiers: Orphanet 39041, MedGen C2700553, MONDO:0011338, OMIM 603554.
Inborn error of immunity. Also called: Inborn errors of immunity; Primary immunodeficiency. Identifiers: Orphanet 101997, MedGen C0398686, MONDO:0003778.
Atypical severe combined immunodeficiency due to complete RAG1/2 deficiency.
Recombinase activating gene 2 deficiency. Also called: RAG2 deficiency. Identifiers: MedGen CN257931, MONDO:0000573.

gnomAD v4.1: 5 of 1,614,160 alleles (0.00031%); highest among the groups gnomAD compares: Non-Finnish European, 0.00042%; no homozygotes.

Submissions (3):

Natera, Inc.
Classification: Likely pathogenic for Omenn syndrome. Last evaluated: 2025-06-01. Review status: criteria provided, single submitter. Criteria: Natera Variant Classification Schema (03/2026). Collection method: clinical testing. Allele origin: germline.
Comment: The c.1375A>C variant in RAG2 is a missense variant predicted to cause substitution of methionine to leucine at amino acid 459. This variant is rare in the general population with a frequency below the threshold expected for the associated phenotype(s). This variant has been observed in one or more individuals affected with the associated recessive disease, as either homozygous or compound heterozygous with a second variant (PMID: 29410113, 26457731, 22841008). Additionally, this variant has been observed to segregate in affected family members (PMID: 22841008). Functional studies show that this variant may disrupt protein function (PMID: 22841008). Computational prediction algorithms indicate this variant is likely to affect gene or protein function. Given the available evidence, this variant is classified as Likely Pathogenic.

Labcorp Genetics (formerly Invitae), Labcorp
Classification: Likely pathogenic for Combined immunodeficiency with skin granulomas; Severe combined immunodeficiency, autosomal recessive, T cell-negative, B cell-negative, NK cell-positive. Last evaluated: 2020-05-27. Review status: criteria provided, single submitter. Criteria: Invitae Variant Classification Sherloc (09022015). Collection method: clinical testing. Allele origin: germline.
Comment: In summary, the currently available evidence indicates that the variant is pathogenic, but additional data are needed to prove that conclusively. Therefore, this variant has been classified as Likely Pathogenic. This variant has been reported to affect RAG2 protein function (PMID: 22841008, 29772310, 26692406). This variant has been observed to be homozygous or in combination with another RAG2 variant in individuals affected with Omenn syndrome, combined immunodeficiency with granulomatous disease and/or autoimmunity (CID-G/AI) and hyper-IgM syndrome (PMID: 22841008, 26457731). ClinVar contains an entry for this variant (Variation ID: 496632). This variant is not present in population databases (ExAC no frequency). This sequence change replaces methionine with leucine at codon 459 of the RAG2 protein (p.Met459Leu). The methionine residue is highly conserved and there is a small physicochemical difference between methionine and leucine.

Pediatric Immunology Service, The Chaim Sheba Medical Center at Tel HaShomer
Classification: Likely pathogenic for RAG2 deficiency; Primary immunodeficiency; Combined immunodeficiency with skin granulomas; Atypical severe combined immunodeficiency due to complete RAG1/2 deficiency; Omenn syndrome. Last evaluated: 2018-03-06. Review status: criteria provided, single submitter. Criteria: ACMG Guidelines, 2015. Collection method: research. Allele origin: germline. Affected: yes.

Literature cited by the submitters: PubMed 29410113 (cited by Natera, Inc.); PubMed 26457731 (cited by 3 submitters); PubMed 22841008 (cited by 3 submitters); PubMed 29772310 (cited by Labcorp Genetics (formerly Invitae), Labcorp); PubMed 26692406 (cited by Labcorp Genetics (formerly Invitae), Labcorp).

NM_000536.4(RAG2):c.1375A>C (p.Met459Leu)

Gene: RAG2 (recombination activating 2; minus strand). Cytogenetic location: 11p12.
Variant type: single nucleotide variant.
Coding change: c.1375A>C on transcript NM_000536.4 (MANE Select); coding-DNA position 1375, A replaced by C.
Protein change: p.Met459Leu; replaces methionine 459 with leucine.
Molecular consequence: missense variant.
Genome position (GRCh38, 1-based): chr11:36,592,794, T>G on the plus strand (A>C on the coding strand, the complement: RAG2 is on the minus strand). VCF-style: chr11-36592794-T-G. GRCh37 (hg19) VCF-style: chr11-36614344-T-G.
Other names: c.1375A>C, p.Met459Leu (NM_001243785.2, NM_001243786.2); short protein forms M459L.
Identifiers: ClinVar variation 496632 (VCV000496632.12), dbSNP rs1204766339, ClinGen allele CA380140499.